The following is an entry in ClinVar:

ClinVar aggregate classification (germline): Uncertain significance (1 of 4 stars; one submission).

Conditions:
KIF23-related disorder. Also called: KIF23-related condition.

gnomAD v4.1: 4 of 1,611,754 alleles (0.00025%); highest among the groups gnomAD compares: Admixed American, 0.0017%; no homozygotes.

Submission:

PreventionGenetics, part of Exact Sciences
Classification: Uncertain significance for KIF23-related condition. Last evaluated: 2025-06-03. Review status: criteria provided, single submitter. Criteria: ACMG Guidelines, 2015. Collection method: clinical testing. Allele origin: germline.
Comment: The KIF23 c.2102G>A variant is predicted to result in the amino acid substitution p.Gly701Asp. To our knowledge, this variant has not been reported in the literature. This variant is reported in 0.0033% of alleles in individuals of South Asian descent in gnomAD. At this time, the clinical significance of this variant is uncertain due to the absence of conclusive functional and genetic evidence.

NM_001367805.3(KIF23):c.2144G>A (p.Gly715Asp)

Gene: KIF23 (kinesin family member 23; plus strand). Cytogenetic location: 15q23.
Variant type: single nucleotide variant.
Coding change: c.2144G>A on transcript NM_001367805.3 (MANE Select); coding-DNA position 2144, G replaced by A.
Protein change: p.Gly715Asp; replaces glycine 715 with aspartic acid.
Molecular consequence: missense variant. On other transcripts: non-coding transcript variant (1), intron variant (1).
Genome position (GRCh38, 1-based): chr15:69,440,802, G>A. VCF-style: chr15-69440802-G-A. GRCh37 (hg19) VCF-style: chr15-69733141-G-A.
Other names: c.1772G>A, p.Gly591Asp (NM_001281301.2); c.2102G>A, p.Gly701Asp (NM_001367804.2, NM_138555.4); c.2067+315G>A (NM_004856.7); short protein forms G591D, G701D, G715D.
Identifiers: ClinVar variation 5001107 (VCV005001107.1).